The following is an entry in ClinVar:

ClinVar aggregate classification (germline): Benign/Likely benign. Review status: criteria provided, multiple submitters, no conflicts (2 of 4 stars). 5 submissions from 5 submitters: Benign (2); Likely benign (2). 1 of the submissions does not count toward it. Last evaluated 2026-03-01.

Conditions:
Hereditary breast ovarian cancer syndrome. Also called: Hereditary breast and/or ovarian cancer syndrome; Hereditary breast and ovarian cancer; BRCA1- and BRCA2-Associated Hereditary Breast and Ovarian Cancer; Hereditary breast and ovarian cancer syndrome; Hereditary breast and ovarian cancer syndrome (HBOC); Breast and ovarian cancer. Identifiers: Orphanet 145, MedGen C0677776, MeSH D061325, MONDO:0003582. Disease mechanism: loss of function.
RAD54L-related disorder. Also called: RAD54L-related condition.

Allele frequency attached by ClinVar (database versions not stated): gnomAD exomes 0.00020 and 0.00056; ExAC 0.00087; 1000 Genomes Project 0.00200; 1000 Genomes Project 30x 0.00203; ESP Exome Variant Server 0.00215; gnomAD 0.00235 and 0.00255; TOPMed 0.00271.
gnomAD v4.1: 663 of 1,608,060 alleles (0.041%); highest among the groups gnomAD compares: African/African-American, 0.76%; 1 homozygote.

Submissions (5):

CeGaT Center for Human Genetics Tuebingen
Classification: Likely benign. Last evaluated: 2026-03-01. Review status: criteria provided, single submitter. Criteria: CeGaT Center For Human Genetics Tuebingen Variant Classification Criteria Version 2. Collection method: clinical testing. Allele origin: germline. Affected: yes. Observed: 1 variant allele.
Comment: RAD54L: PP3, BS1

Ambry Genetics
Classification: Likely benign. Last evaluated: 2022-10-10. Review status: criteria provided, single submitter. Criteria: Ambry Variant Classification Scheme 2023. Collection method: clinical testing. Allele origin: germline.

National Health Laboratory Service, Universitas Academic Hospital and University of the Free State
Classification: Benign for Hereditary breast ovarian cancer syndrome. Last evaluated: 2022-04-19. Review status: criteria provided, single submitter. Criteria: ACMG Guidelines, 2015. Collection method: clinical testing. Allele origin: germline. Affected: yes. Observed: 4 variant alleles.

Breakthrough Genomics
Classification: Benign. Review status: criteria provided, single submitter. Criteria: ACMG Guidelines, 2015. Collection method: not provided. Allele origin: germline. Inheritance: Autosomal dominant inheritance. Affected: yes.

PreventionGenetics, part of Exact Sciences
Classification: Benign for RAD54L-related condition. Last evaluated: 2019-06-17. Review status: no assertion criteria provided. Collection method: clinical testing. Allele origin: germline. Not counted in ClinVar's aggregate classification.
Comment: This variant is classified as benign based on ACMG/AMP sequence variant interpretation guidelines (Richards et al. 2015 PMID: 25741868, with internal and published modifications).

NM_003579.4(RAD54L):c.1600C>T (p.Arg534Cys)

Gene: RAD54L (RAD54 like; plus strand). Cytogenetic location: 1p34.1.
Variant type: single nucleotide variant.
Coding change: c.1600C>T on transcript NM_003579.4 (MANE Select); coding-DNA position 1600, C replaced by T.
Protein change: p.Arg534Cys; replaces arginine 534 with cysteine.
Molecular consequence: missense variant.
Genome position (GRCh38, 1-based): chr1:46,273,737, C>T. VCF-style: chr1-46273737-C-T. GRCh37 (hg19) VCF-style: chr1-46739409-C-T.
Other names: NP_003570.2:p.Arg534Cys; c.1600C>T (NM_003579.3); c.1600C>T, p.Arg534Cys (NM_001142548.2); c.1060C>T, p.Arg354Cys (NM_001370766.1); short protein forms R354C, R534C.
Identifiers: ClinVar variation 1678922 (VCV001678922.10), dbSNP rs28363240, ClinGen allele CA834649.